The following is an entry in ClinVar:

ClinVar aggregate classification (germline): Uncertain significance. Review status: criteria provided, multiple submitters, no conflicts (2 of 4 stars). 2 submissions from 2 submitters: Uncertain significance (2). Last evaluated 2024-10-03.

gnomAD v4.1: 6 of 1,612,408 alleles (0.00037%); highest among the groups gnomAD compares: Non-Finnish European, 0.00051%; no homozygotes.

Submissions (2):

Labcorp Genetics (formerly Invitae), Labcorp
Classification: Uncertain significance. Last evaluated: 2024-10-03. Review status: criteria provided, single submitter. Criteria: Invitae Variant Classification Sherloc (09022015). Collection method: clinical testing. Allele origin: germline.
Comment: This sequence change replaces cysteine, which is neutral and slightly polar, with arginine, which is basic and polar, at codon 5921 of the ADGRV1 protein (p.Cys5921Arg). This variant is present in population databases (rs757586481, gnomAD 0.004%). This variant has not been reported in the literature in individuals affected with ADGRV1-related conditions. Invitae Evidence Modeling of protein sequence and biophysical properties (such as structural, functional, and spatial information, amino acid conservation, physicochemical variation, residue mobility, and thermodynamic stability) indicates that this missense variant is not expected to disrupt ADGRV1 protein function with a negative predictive value of 95%. In summary, the available evidence is currently insufficient to determine the role of this variant in disease. Therefore, it has been classified as a Variant of Uncertain Significance.

Blueprint Genetics
Classification: Uncertain significance. Last evaluated: 2021-05-15. Review status: criteria provided, single submitter. Criteria: ACMG Guidelines, 2015. Collection method: clinical testing. Allele origin: germline.

NM_032119.4(ADGRV1):c.17761T>C (p.Cys5921Arg)

Gene: ADGRV1 (adhesion G protein-coupled receptor V1; plus strand). Cytogenetic location: 5q14.3.
Variant type: single nucleotide variant.
Coding change: c.17761T>C on transcript NM_032119.4 (MANE Select); coding-DNA position 17761, T replaced by C.
Protein change: p.Cys5921Arg; replaces cysteine 5921 with arginine.
Molecular consequence: missense variant. On other transcripts: non-coding transcript variant (1).
Genome position (GRCh38, 1-based): chr5:90,863,762, T>C. VCF-style: chr5-90863762-T-C. GRCh37 (hg19) VCF-style: chr5-90159579-T-C.
Other names: short protein forms C5921R.
Identifiers: ClinVar variation 3691931 (VCV003691931.2).
Genomic context (GRCh38, chr5:90,863,762, plus strand): 5'-CTGTTAGAATCTTCATGGATTATTAAACCATATGTGGACTTTTTTGTTCCTACAGGTCTT[T>C]GCTTGGCTGTTCTTTCCCATATCTTCTGTGCCAGGTACTCCATGTTTGCAGCTAAACTTC-3'
Protein context (NP_115495.3, residues 5911-5931): TSGFICISGL[Cys5921Arg]LAVLSHIFCA